The following is an entry in ClinVar:

NM_001927.4(DES):c.349G>C (p.Asp117His)

Gene: DES (desmin; plus strand). Cytogenetic location: 2q35.
Variant type: single nucleotide variant.
Coding change: c.349G>C on transcript NM_001927.4 (MANE Select); coding-DNA position 349, G replaced by C.
Protein change: p.Asp117His; replaces aspartic acid 117 with histidine.
Molecular consequence: missense variant.
Genome position (GRCh38, 1-based): chr2:219,418,811, G>C. VCF-style: chr2-219418811-G-C. GRCh37 (hg19) VCF-style: chr2-220283533-G-C.
Other names: c.349G>C, p.Asp117His (NM_001382708.1, NM_001382709.1, NM_001382710.1 and 3 more transcripts); short protein forms D117H.
Identifiers: ClinVar variation 1021778 (VCV001021778.12), dbSNP rs1954372615, ClinGen allele CA350685435.
Genomic context (GRCh38, chr2:219,418,811, plus strand): 5'-GTGAACCAGGAGTTTCTGACCACGCGCACCAACGAGAAGGTGGAGCTGCAGGAGCTCAAT[G>C]ACCGCTTCGCCAACTACATCGAGAAGGTGCGCTTCCTGGAGCAGCAGAACGCGGCGCTCG-3'
Protein context (NP_001918.3, residues 107-127): NEKVELQELN[Asp117His]RFANYIEKVR

ClinVar aggregate classification (germline): Uncertain significance. Review status: criteria provided, multiple submitters, no conflicts (2 of 4 stars). 2 submissions from 2 submitters: Uncertain significance (2). Last evaluated 2025-10-29.

Conditions:
Cardiovascular phenotype. Identifiers: MedGen CN230736.
Desmin-related myofibrillar myopathy (MFM1). Also called: Myofibrillar myopathy 1; Desminopathy; MYOFIBRILLAR MYOPATHY WITH ARRHYTHMOGENIC RIGHT VENTRICULAR CARDIOMYOPATHY; DESMIN-RELATED MYOPATHY WITH ARRHYTHMOGENIC RIGHT VENTRICULAR CARDIOMYOPATHY; Desmin related myopathy (former name); Desmin storage myopathy (former name). Identifiers: Orphanet 363543, Orphanet 98909, MedGen C1832370, MONDO:0011076, OMIM 601419.

Submissions (2):

Ambry Genetics
Classification: Uncertain significance for Cardiovascular phenotype. Last evaluated: 2025-10-29. Review status: criteria provided, single submitter. Criteria: Ambry Variant Classification Scheme 2023. Collection method: clinical testing. Allele origin: germline.
Comment: The p.D117H variant (also known as c.349G>C), located in coding exon 1 of the DES gene, results from a G to C substitution at nucleotide position 349. The aspartic acid at codon 117 is replaced by histidine, an amino acid with similar properties. This amino acid position is highly conserved in available vertebrate species. In addition, this alteration is predicted to be deleterious by in silico analysis. Based on the available evidence, the clinical significance of this variant remains unclear.

Labcorp Genetics (formerly Invitae), Labcorp
Classification: Uncertain significance for Desmin-related myofibrillar myopathy. Last evaluated: 2022-10-18. Review status: criteria provided, single submitter. Criteria: Invitae Variant Classification Sherloc (09022015). Collection method: clinical testing. Allele origin: germline.
Comment: In summary, the available evidence is currently insufficient to determine the role of this variant in disease. Therefore, it has been classified as a Variant of Uncertain Significance. Advanced modeling of protein sequence and biophysical properties (such as structural, functional, and spatial information, amino acid conservation, physicochemical variation, residue mobility, and thermodynamic stability) performed at Invitae indicates that this missense variant is expected to disrupt DES protein function. ClinVar contains an entry for this variant (Variation ID: 1021778). This variant has not been reported in the literature in individuals affected with DES-related conditions. This variant is not present in population databases (gnomAD no frequency). This sequence change replaces aspartic acid, which is acidic and polar, with histidine, which is basic and polar, at codon 117 of the DES protein (p.Asp117His).